The following is an entry in ClinVar:

ClinVar aggregate classification (germline): Uncertain significance. Review status: criteria provided, multiple submitters, no conflicts (2 of 4 stars). 2 submissions from 2 submitters: Uncertain significance (2). Last evaluated 2023-10-16.

Conditions:
Neuroblastoma, susceptibility to, 3. Also called: ALK-Related Neuroblastic Tumor Susceptibility. Identifiers: Orphanet 635, MedGen C2751681, MONDO:0013083, OMIM 613014.
Hereditary cancer-predisposing syndrome. Also called: Tumor predisposition; Neoplastic Syndromes, Hereditary; Hereditary Cancer Syndrome; Hereditary neoplastic syndrome. Identifiers: Orphanet 140162, MedGen C0027672, MeSH D009386, MONDO:0015356.

Submissions (2):

Baylor Genetics
Classification: Uncertain significance for Neuroblastoma, susceptibility to, 3. Last evaluated: 2023-10-16. Review status: criteria provided, single submitter. Criteria: ACMG Guidelines, 2015. Collection method: clinical testing. Allele origin: unknown.

Ambry Genetics
Classification: Uncertain significance for Hereditary cancer-predisposing syndrome. Last evaluated: 2023-08-04. Review status: criteria provided, single submitter. Criteria: Ambry Variant Classification Scheme 2023. Collection method: clinical testing. Allele origin: germline.
Comment: The p.P316A variant (also known as c.946C>G), located in coding exon 3 of the ALK gene, results from a C to G substitution at nucleotide position 946. The proline at codon 316 is replaced by alanine, an amino acid with highly similar properties. This amino acid position is conserved. In addition, this alteration is predicted to be tolerated by in silico analysis. Since supporting evidence is limited at this time, the clinical significance of this alteration remains unclear.

NM_004304.5(ALK):c.946C>G (p.Pro316Ala)

Gene: ALK (ALK receptor tyrosine kinase; minus strand). Cytogenetic location: 2p23.2.
Variant type: single nucleotide variant.
Coding change: c.946C>G on transcript NM_004304.5 (MANE Select); coding-DNA position 946, C replaced by G.
Protein change: p.Pro316Ala; replaces proline 316 with alanine.
Molecular consequence: missense variant.
Genome position (GRCh38, 1-based): chr2:29,694,856, G>C on the plus strand (C>G on the coding strand, the complement: ALK is on the minus strand). VCF-style: chr2-29694856-G-C. GRCh37 (hg19) VCF-style: chr2-29917722-G-C.
Other names: short protein forms P316A.
Identifiers: ClinVar variation 2586698 (VCV002586698.3), dbSNP rs1254406721, ClinGen allele CA346586819.